The following is an entry in ClinVar:

NC_000019.9:g.(?_852326)_(1226646_?)del

Genes: ABCA7 (ATP binding cassette subfamily A member 7; plus strand), ARHGAP45 (Rho GTPase activating protein 45; plus strand), ARID3A (AT-rich interaction domain 3A; plus strand), CFD (complement factor D; plus strand), CNN2 (calponin 2; plus strand) and 11 more. Cytogenetic location: 19p13.3.
Variant type: Deletion.
Identifiers: ClinVar variation 832758 (VCV000832758.1).

ClinVar aggregate classification (germline): Pathogenic (1 of 4 stars; one submission).

Conditions:
Peutz-Jeghers syndrome (PJS). Also called: Peutz-Jeghers polyposis; Periorificial lentiginosis syndrome; POLYPOSIS, HAMARTOMATOUS INTESTINAL; POLYPS-AND-SPOTS SYNDROME. Identifiers: Orphanet 2869, MedGen C0031269, MeSH D010580, MONDO:0008280, OMIM 175200.

Submission:

Labcorp Genetics (formerly Invitae), Labcorp
Classification: Pathogenic for Peutz-Jeghers syndrome. Last evaluated: 2019-11-21. Review status: criteria provided, single submitter. Criteria: Invitae Variant Classification Sherloc (09022015). Collection method: clinical testing. Allele origin: germline.
Comment: A gross deletion of the genomic region encompassing the full coding sequence of the STK11 gene has been identified. The boundaries of this event are unknown as the deletion extends beyond the assayed region for this gene and therefore may encompass additional genes. Large deletions involving the STK11 gene account for about 30% of the Peutz Jeghers syndrome cases (PMID: 20623358). Whole gene deletions of STK11 have been reported in several individuals affected with Peutz Jeghers syndrome (PMID: 23399955, 17924967, 16287113, 22382802, 16648371, 28303455, Invitae), and has been observed to segregate with disease in at least one family (PMID: 14970844). Loss-of-function variants in STK11 are known to be pathogenic (PMID: 15188174, 16287113). For these reasons, this variant has been classified as Pathogenic.

Literature cited by the submitters: PubMed 16648371; PubMed 16287113; PubMed 17924967; PubMed 22382802; PubMed 23399955; PubMed 14970844; PubMed 20623358; PubMed 28303455.